The following is an entry in ClinVar:

ClinVar aggregate classification (germline): Uncertain significance. Review status: criteria provided, multiple submitters, no conflicts (2 of 4 stars). 2 submissions from 2 submitters: Uncertain significance (2). Last evaluated 2018-10-31.

Conditions:
Charcot-Marie-Tooth disease type 2. Also called: Charcot-Marie-Tooth type 2. Identifiers: Orphanet 64746, MedGen C0270914, MONDO:0018993.
Charcot-Marie-Tooth disease. Also called: Charcot-Marie-Tooth Neuropathy; Charcot-Marie-Tooth Hereditary Neuropathy. Identifiers: Orphanet 166, MedGen C0007959, MONDO:0015626.

Allele frequency attached by ClinVar (database versions not stated): TOPMed 0.00001.
gnomAD v4.1: 11 of 1,614,156 alleles (0.00068%); highest among the groups gnomAD compares: Non-Finnish European, 0.00093%; no homozygotes.

Submissions (2):

Labcorp Genetics (formerly Invitae), Labcorp
Classification: Uncertain significance for Charcot-Marie-Tooth disease type 2. Last evaluated: 2018-10-31. Review status: criteria provided, single submitter. Criteria: Invitae Variant Classification Sherloc (09022015). Collection method: clinical testing. Allele origin: germline.
Comment: In summary, the available evidence is currently insufficient to determine the role of this variant in disease. Therefore, it has been classified as a Variant of Uncertain Significance. Algorithms developed to predict the effect of missense changes on protein structure and function do not agree on the potential impact of this missense change (SIFT: "Tolerated"; PolyPhen-2: "Probably Damaging"; Align-GVGD: "Class C0"). This variant has not been reported in the literature in individuals with MED25-related disease. This variant is not present in population databases (ExAC no frequency). This sequence change replaces arginine with histidine at codon 36 of the MED25 protein (p.Arg36His). The arginine residue is moderately conserved and there is a small physicochemical difference between arginine and histidine.

Molecular Genetics Laboratory, London Health Sciences Centre
Classification: Uncertain significance for Charcot-Marie-Tooth disease. Review status: criteria provided, single submitter. Criteria: ACMG Guidelines, 2015. Collection method: clinical testing. Allele origin: germline. Affected: yes.

NM_030973.4(MED25):c.107G>A (p.Arg36His)

Gene: MED25 (mediator complex subunit 25; plus strand). Cytogenetic location: 19q13.33.
Variant type: single nucleotide variant.
Coding change: c.107G>A on transcript NM_030973.4 (MANE Select); coding-DNA position 107, G replaced by A.
Protein change: p.Arg36His; replaces arginine 36 with histidine.
Molecular consequence: missense variant.
Genome position (GRCh38, 1-based): chr19:49,818,448, G>A. VCF-style: chr19-49818448-G-A. GRCh37 (hg19) VCF-style: chr19-50321705-G-A.
Other names: c.107G>A, p.Arg36His (NM_001378355.1); short protein forms R36H.
Identifiers: ClinVar variation 476796 (VCV000476796.10), dbSNP rs1555800954, ClinGen allele CA406908670.